The following is an entry in ClinVar:

ClinVar aggregate classification (germline): Uncertain significance (1 of 4 stars; one submission).

gnomAD v4.1: 2 of 1,613,004 alleles (0.00012%); highest among the groups gnomAD compares: Non-Finnish European, 0.00017%; no homozygotes.

Submission:

Labcorp Genetics (formerly Invitae), Labcorp
Classification: Uncertain significance. Last evaluated: 2025-09-30. Review status: criteria provided, single submitter. Criteria: Invitae Variant Classification Sherloc (09022015). Collection method: clinical testing. Allele origin: germline.
Comment: This sequence change replaces phenylalanine, which is neutral and non-polar, with isoleucine, which is neutral and non-polar, at codon 245 of the SCARB1 protein (p.Phe245Ile). This variant is not present in population databases (gnomAD no frequency). This variant has not been reported in the literature in individuals affected with SCARB1-related conditions. Invitae Evidence Modeling of protein sequence and biophysical properties (such as structural, functional, and spatial information, amino acid conservation, physicochemical variation, residue mobility, and thermodynamic stability) indicates that this missense variant is not expected to disrupt SCARB1 protein function with a negative predictive value of 80%. In summary, the available evidence is currently insufficient to determine the role of this variant in disease. Therefore, it has been classified as a Variant of Uncertain Significance.

NM_005505.5(SCARB1):c.733T>A (p.Phe245Ile)

Gene: SCARB1 (scavenger receptor class B member 1; minus strand). Cytogenetic location: 12q24.31.
Variant type: single nucleotide variant.
Coding change: c.733T>A on transcript NM_005505.5 (MANE Select); coding-DNA position 733, T replaced by A.
Protein change: p.Phe245Ile; replaces phenylalanine 245 with isoleucine.
Molecular consequence: missense variant. On other transcripts: non-coding transcript variant (6), intron variant (2).
Genome position (GRCh38, 1-based): chr12:124,810,283, A>T on the plus strand (T>A on the coding strand, the complement: SCARB1 is on the minus strand). VCF-style: chr12-124810283-A-T. GRCh37 (hg19) VCF-style: chr12-125294829-A-T.
Other names: c.733T>A, p.Phe245Ile (NM_001082959.2, NM_001367981.1, NM_001367983.1 and 4 more transcripts); c.610T>A, p.Phe204Ile (NM_001367982.1); c.726+1587T>A (NM_001367988.1); c.727-18T>A (NM_001367985.1); short protein forms F204I, F245I.
Identifiers: ClinVar variation 4811826 (VCV004811826.1).